The following is an entry in ClinVar:

NM_173543.3(DZIP1L):c.1784G>A (p.Gly595Glu)

Gene: DZIP1L (DAZ interacting zinc finger protein 1 like; minus strand). Cytogenetic location: 3q22.3.
Variant type: single nucleotide variant.
Coding change: c.1784G>A on transcript NM_173543.3 (MANE Select); coding-DNA position 1784, G replaced by A.
Protein change: p.Gly595Glu; replaces glycine 595 with glutamic acid.
Molecular consequence: missense variant.
Genome position (GRCh38, 1-based): chr3:138,068,199, C>T on the plus strand (G>A on the coding strand, the complement: DZIP1L is on the minus strand). VCF-style: chr3-138068199-C-T. GRCh37 (hg19) VCF-style: chr3-137787041-C-T.
Other names: p.Gly595Glu; short protein forms G595E.
Identifiers: ClinVar variation 1602765 (VCV001602765.11), dbSNP rs115489792, ClinGen allele CA2634800.

ClinVar aggregate classification (germline): Benign/Likely benign. Review status: criteria provided, multiple submitters, no conflicts (2 of 4 stars). 4 submissions from 4 submitters: Benign (3); Likely benign (1). Last evaluated 2026-02-01.

Allele frequency attached by ClinVar (database versions not stated): 1000 Genomes Project 30x 0.00984; 1000 Genomes Project 0.00998; TOPMed 0.02112; gnomAD exomes 0.02152 and 0.03295; gnomAD 0.02200 and 0.02243; ExAC 0.02393; ESP Exome Variant Server 0.02522.
gnomAD v4.1: 50,276 of 1,586,196 alleles (3.2%); highest among the groups gnomAD compares: Non-Finnish European, 3.9%; 1,035 homozygotes.

Submissions (4):

Labcorp Genetics (formerly Invitae), Labcorp
Classification: Benign. Last evaluated: 2026-02-01. Review status: criteria provided, single submitter. Criteria: Invitae Variant Classification Sherloc (09022015). Collection method: clinical testing. Allele origin: germline.

Blueprint Genetics
Classification: Likely benign. Last evaluated: 2024-11-26. Review status: criteria provided, single submitter. Criteria: ACMG Guidelines, 2015. Collection method: clinical testing. Allele origin: germline.

Mayo Clinic Laboratories, Mayo Clinic
Classification: Benign. Last evaluated: 2023-06-02. Review status: criteria provided, single submitter. Criteria: ACMG Guidelines, 2015. Collection method: clinical testing. Allele origin: germline. Observed: 6 variant alleles.
Comment: BS1, BS2, BP4

Breakthrough Genomics
Classification: Benign. Review status: criteria provided, single submitter. Criteria: ACMG Guidelines, 2015. Collection method: not provided. Allele origin: germline. Inheritance: Autosomal recessive inheritance. Affected: yes.